The following is an entry in ClinVar:

NM_000548.5(TSC2):c.766del (p.Cys256fs)

Gene: TSC2 (TSC complex subunit 2; plus strand). Cytogenetic location: 16p13.3.
Variant type: Deletion.
Coding change: c.766del on transcript NM_000548.5 (MANE Select); coding-DNA position 766, one base deleted (T; older notation c.766delT).
Protein change: p.Cys256fs; shifts the reading frame from cysteine 256.
Molecular consequence: frameshift variant.
Genome position (GRCh38, 1-based): chr16:2,056,761, T deleted; the last of 2 consecutive T bases (chr16:2,056,760-2,056,761); deleting either gives the same sequence. VCF-style (leftmost placement, unchanged base first): chr16-2056759-CT-C. GRCh37 (hg19) VCF-style: chr16-2106760-CT-C.
Other names: c.766del, p.Cys256fs (NM_001077183.3, NM_001114382.3, NM_001363528.2 and 3 more transcripts); c.655del, p.Cys219fs (NM_001318827.2); c.619del, p.Cys207fs (NM_001318829.2); c.166del, p.Cys56fs (NM_001318831.2); c.799del, p.Cys267fs (NM_001318832.2); short protein forms C207fs, C219fs, C267fs, C256fs, C56fs.
Identifiers: ClinVar variation 817724 (VCV000817724.1), dbSNP rs1567409292, ClinGen allele CA915946223.

ClinVar aggregate classification (germline): Pathogenic (1 of 4 stars; one submission).

Submission:

GeneDx
Classification: Pathogenic. Last evaluated: 2018-07-10. Review status: criteria provided, single submitter. Criteria: GeneDx Variant Classification (06012015). Collection method: clinical testing. Allele origin: germline. Affected: yes.
Comment: The c.766delT pathogenic variant in the TSC2 gene causes a frameshift starting with codon Cysteine 256, changes this amino acid to an Alanine residue and creates a premature Stop codon at position 4 of the new reading frame, denoted p.Cys256AlafsX4. This pathogenic variant is predicted to cause loss of normal protein function either through protein truncation or nonsense-mediated mRNA decay. The c.766delT variant is not observed in large population cohorts (Lek et al., 2016).